The following is an entry in ClinVar:

NM_002972.4(SBF1):c.2195G>A (p.Arg732His)

Gene: SBF1 (SET binding factor 1; minus strand). Cytogenetic location: 22q13.33.
Variant type: single nucleotide variant.
Coding change: c.2195G>A on transcript NM_002972.4 (MANE Select); coding-DNA position 2195, G replaced by A.
Protein change: p.Arg732His; replaces arginine 732 with histidine.
Molecular consequence: missense variant.
Genome position (GRCh38, 1-based): chr22:50,462,406, C>T on the plus strand (G>A on the coding strand, the complement: SBF1 is on the minus strand). VCF-style: chr22-50462406-C-T. GRCh37 (hg19) VCF-style: chr22-50900835-C-T.
Other names: c.2195G>A (NM_002972.2); c.2198G>A, p.Arg733His (NM_001365819.1); short protein forms R732H, R733H.
Identifiers: ClinVar variation 618357 (VCV000618357.16), dbSNP rs374201600, ClinGen allele CA10317300.

ClinVar aggregate classification (germline): Uncertain significance. Review status: criteria provided, multiple submitters, no conflicts (2 of 4 stars). 6 submissions from 6 submitters: Uncertain significance (6). Last evaluated 2025-08-27.

Conditions:
Charcot-Marie-Tooth disease type 4B3. Also called: Charcot-Marie-Tooth Neuropathy Type 4B3; CHARCOT-MARIE-TOOTH DISEASE, DEMYELINATING, TYPE 4B3. Identifiers: Orphanet 363981, MedGen C3695063, MONDO:0014117, OMIM 615284.

Allele frequency attached by ClinVar (database versions not stated): ExAC 0.00007; ESP Exome Variant Server 0.00008; gnomAD exomes 0.00010 and 0.00015; TOPMed 0.00013; gnomAD 0.00014 and 0.00017; 1000 Genomes Project 30x 0.00047; 1000 Genomes Project 0.00060.
gnomAD v4.1: 244 of 1,614,060 alleles (0.015%); highest among the groups gnomAD compares: East Asian, 0.049%; no homozygotes.

Submissions (6):

Ambry Genetics
Classification: Uncertain significance. Last evaluated: 2025-08-27. Review status: criteria provided, single submitter. Criteria: Ambry Variant Classification Scheme 2023. Collection method: clinical testing. Allele origin: germline.

Women's Health and Genetics/Laboratory Corporation of America, LabCorp
Classification: Uncertain significance. Last evaluated: 2025-06-16. Review status: criteria provided, single submitter. Criteria: LabCorp Variant Classification Summary - May 2015. Collection method: clinical testing. Allele origin: germline.
Comment: Variant summary: SBF1 c.2195G>A (p.Arg732His) results in a non-conservative amino acid change in the encoded protein sequence. Algorithms developed to predict the effect of missense changes on protein structure and function are either unavailable or do not agree on the potential impact of this missense change. The variant allele was found at a frequency of 9.6e-05 in 249384 control chromosomes. This frequency is not significantly higher than estimated for a pathogenic variant in SBF1 causing Charcot-Marie-Tooth disease type 4B3 (9.6e-05 vs 0.0011), allowing no conclusion about variant significance. c.2195G>A has been observed in individual(s) affected with Autism (Guo_2018). These report(s) do not provide unequivocal conclusions about association of the variant with Charcot-Marie-Tooth disease type 4B3. To our knowledge, no experimental evidence demonstrating an impact on protein function has been reported. The following publication has been ascertained in the context of this evaluation (PMID: 30564305). ClinVar contains an entry for this variant (Variation ID: 618357). Based on the evidence outlined above, the variant was classified as uncertain significance.

Blueprint Genetics
Classification: Uncertain significance. Last evaluated: 2024-11-21. Review status: criteria provided, single submitter. Criteria: ACMG Guidelines, 2015. Collection method: clinical testing. Allele origin: germline.

ARUP Laboratories, Molecular Genetics and Genomics, ARUP Laboratories
Classification: Uncertain significance for Charcot-Marie-Tooth disease type 4B3. Last evaluated: 2023-11-22. Review status: criteria provided, single submitter. Criteria: ARUP Molecular Germline Variant Investigation Process 2024. Collection method: clinical testing. Allele origin: germline.
Comment: The SBF1 c.2195G>A; p.Arg732His variant (rs374201600), to our knowledge, is not reported in the medical literature, gene specific variation databases, nor has it been previously identified by our laboratory. This variant is listed in the genome Aggregation Database (gnomAD) with an overall population frequency of 0.009% (identified on 26 out of 277,050 chromosomes). The arginine at position 732 is highly conserved, considering 12 species, and computational analyses of the effects of the p.Arg732His variant on protein structure and function predict a deleterious effect (SIFT: damaging, PolyPhen-2: possibly damaging). Based on the available information, the clinical significance of the p.Arg732His variant cannot be determined with certainty.

Labcorp Genetics (formerly Invitae), Labcorp
Classification: Uncertain significance. Last evaluated: 2022-06-10. Review status: criteria provided, single submitter. Criteria: Invitae Variant Classification Sherloc (09022015). Collection method: clinical testing. Allele origin: germline.
Comment: This sequence change replaces arginine, which is basic and polar, with histidine, which is basic and polar, at codon 732 of the SBF1 protein (p.Arg732His). This variant is present in population databases (rs374201600, gnomAD 0.05%). This missense change has been observed in individual(s) with autism spectrum disorder (PMID: 30564305). ClinVar contains an entry for this variant (Variation ID: 618357). Algorithms developed to predict the effect of missense changes on protein structure and function are either unavailable or do not agree on the potential impact of this missense change (SIFT: "Deleterious"; PolyPhen-2: "Probably Damaging"; Align-GVGD: "Class C0"). In summary, the available evidence is currently insufficient to determine the role of this variant in disease. Therefore, it has been classified as a Variant of Uncertain Significance.

Molecular Genetics, Royal Melbourne Hospital
Classification: Uncertain significance for Charcot-Marie-Tooth disease type 4B3. Last evaluated: 2021-12-02. Review status: criteria provided, single submitter. Criteria: ACMG Guidelines, 2015. Collection method: clinical testing. Allele origin: germline.
Comment: This sequence change in SBF1 is predicted to replace arginine with histidine at codon 732, p.(Arg732His). The arginine residue is moderately conserved (100 vertebrates, UCSC), and is not located in an annotated domain. There is a small physicochemical difference between arginine and histidine. The highest population minor allele frequency in gnomAD v2.1 is 0.05% (10/19,526 alleles) in the East Asian population, which is lower than the credible allele frequency for recessive Charcot-Marie-Tooth disease. To our knowledge, this variant has not been reported in the literature in any individuals with SBF1-related disease. It has been reported as a variant of uncertain significance (ClinVar ID: 618357). Multiple lines of computational evidence have conflicting predictions for the missense substitution (4/6 algorithms predict deleterious). Based on the classification scheme RMH Modified ACMG Guidelines v1.4.0, this variant is classified as a VARIANT OF UNCERTAIN SIGNIFICANCE. Following criteria are met: PM2_Supporting.

Literature cited by the submitters: PubMed 30564305 (cited by Women's Health and Genetics/Laboratory Corporation of America, LabCorp and Labcorp Genetics (formerly Invitae), Labcorp).